The following is an entry in ClinVar:

ClinVar aggregate classification (germline): Uncertain significance (1 of 4 stars; one submission).

Allele frequency attached by ClinVar (database versions not stated): TOPMed below 0.00001; ExAC 0.00001.

Submission:

Ambry Genetics
Classification: Uncertain significance. Last evaluated: 2023-03-30. Review status: criteria provided, single submitter. Criteria: Ambry Variant Classification Scheme 2023. Collection method: clinical testing. Allele origin: germline.
Comment: The p.M893V variant (also known as c.2677A>G), located in coding exon 1 of the MLH3 gene, results from an A to G substitution at nucleotide position 2677. The methionine at codon 893 is replaced by valine, an amino acid with highly similar properties. This amino acid position is not well conserved in available vertebrate species. In addition, this alteration is predicted to be tolerated by in silico analysis. Since supporting evidence is limited at this time, the clinical significance of this alteration remains unclear.

NM_001040108.2(MLH3):c.2677A>G (p.Met893Val)

Gene: MLH3 (mutL homolog 3; minus strand). Cytogenetic location: 14q24.3.
Variant type: single nucleotide variant.
Coding change: c.2677A>G on transcript NM_001040108.2 (MANE Select); coding-DNA position 2677, A replaced by G.
Protein change: p.Met893Val; replaces methionine 893 with valine.
Molecular consequence: missense variant.
Genome position (GRCh38, 1-based): chr14:75,046,979, T>C on the plus strand (A>G on the coding strand, the complement: MLH3 is on the minus strand). VCF-style: chr14-75046979-T-C. GRCh37 (hg19) VCF-style: chr14-75513682-T-C.
Other names: c.2677A>G, p.Met893Val (NM_014381.3); short protein forms M893V.
Identifiers: ClinVar variation 1794614 (VCV001794614.3), dbSNP rs745306311, ClinGen allele CA7275657.